The following is an entry in ClinVar:

ClinVar aggregate classification (germline): Uncertain significance. Review status: criteria provided, multiple submitters, no conflicts (2 of 4 stars). 2 submissions from 2 submitters: Uncertain significance (2). Last evaluated 2025-08-02.

Conditions:
Epidermodysplasia verruciformis. Identifiers: Orphanet 302, MedGen C0014522, MONDO:0009176.
Inborn genetic diseases. Identifiers: MedGen C0950123, MeSH D030342.

Allele frequency attached by ClinVar (database versions not stated): gnomAD 0.00001; gnomAD exomes 0.00001 and 0.00002; TOPMed 0.00003.
gnomAD v4.1: 9 of 1,611,226 alleles (0.00056%); highest among the groups gnomAD compares: Admixed American, 0.01%; no homozygotes.

Submissions (2):

Ambry Genetics
Classification: Uncertain significance for Inborn genetic diseases. Last evaluated: 2025-08-02. Review status: criteria provided, single submitter. Criteria: Ambry Variant Classification Scheme 2023. Collection method: clinical testing. Allele origin: germline.

Labcorp Genetics (formerly Invitae), Labcorp
Classification: Uncertain significance for Epidermodysplasia verruciformis. Last evaluated: 2021-09-01. Review status: criteria provided, single submitter. Criteria: Invitae Variant Classification Sherloc (09022015). Collection method: clinical testing. Allele origin: germline.
Comment: This sequence change replaces alanine with threonine at codon 520 of the TMC8 protein (p.Ala520Thr). The alanine residue is moderately conserved and there is a small physicochemical difference between alanine and threonine. This variant is not present in population databases (ExAC no frequency). This variant has not been reported in the literature in individuals affected with TMC8-related conditions. Algorithms developed to predict the effect of missense changes on protein structure and function output the following: SIFT: "Tolerated"; PolyPhen-2: "Benign"; Align-GVGD: "Class C0". The threonine amino acid residue is found in multiple mammalian species, which suggests that this missense change does not adversely affect protein function. In summary, the available evidence is currently insufficient to determine the role of this variant in disease. Therefore, it has been classified as a Variant of Uncertain Significance.

NM_152468.5(TMC8):c.1558G>A (p.Ala520Thr)

Gene: TMC8 (transmembrane channel like 8; plus strand). Cytogenetic location: 17q25.3.
Variant type: single nucleotide variant.
Coding change: c.1558G>A on transcript NM_152468.5 (MANE Select); coding-DNA position 1558, G replaced by A.
Protein change: p.Ala520Thr; replaces alanine 520 with threonine.
Molecular consequence: missense variant.
Genome position (GRCh38, 1-based): chr17:78,138,373, G>A. VCF-style: chr17-78138373-G-A. GRCh37 (hg19) VCF-style: chr17-76134454-G-A.
Other names: short protein forms A520T.
Identifiers: ClinVar variation 848413 (VCV000848413.8), dbSNP rs865835847, ClinGen allele CA294367064.
Genomic context (GRCh38, chr17:78,138,373, plus strand): 5'-TCGCTGACTCCTGGTTGCTATTGCTTGCGCCCCCAGTACACCCTCCTGAAGAACTCCAGG[G>A]CATCTTCGCGGCCCTTCCGTGCCTCCAGCTCCACCTTCTTCTTCCAGCTAGTGCTCCTCC-3'
Protein context (NP_689681.2, residues 510-530): KKYTLLKNSR[Ala520Thr]SSRPFRASSS